The following is an entry in ClinVar:

NM_021625.5(TRPV4):c.947G>A (p.Arg316His)

Gene: TRPV4 (transient receptor potential cation channel subfamily V member 4; minus strand). Cytogenetic location: 12q24.11.
Variant type: single nucleotide variant.
Coding change: c.947G>A on transcript NM_021625.5 (MANE Select); coding-DNA position 947, G replaced by A.
Protein change: p.Arg316His; replaces arginine 316 with histidine.
Molecular consequence: missense variant.
Genome position (GRCh38, 1-based): chr12:109,798,819, C>T on the plus strand (G>A on the coding strand, the complement: TRPV4 is on the minus strand). VCF-style: chr12-109798819-C-T. GRCh37 (hg19) VCF-style: chr12-110236624-C-T.
Other names: c.806G>A, p.Arg269His (NM_001177428.2, NM_001177433.2); c.845G>A, p.Arg282His (NM_001177431.2); c.947G>A, p.Arg316His (NM_147204.3); short protein forms R316H, R269H, R282H.
Identifiers: ClinVar variation 30473 (VCV000030473.43), dbSNP rs387906905, ClinGen allele CA259821.

ClinVar aggregate classification (germline): Pathogenic/Likely pathogenic. Review status: criteria provided, multiple submitters, no conflicts (2 of 4 stars). 12 submissions from 11 submitters: Pathogenic (7); Likely pathogenic (1). 4 of the submissions do not count toward it. Last evaluated 2025-10-02.

Conditions:
TRPV4-related disorder. Also called: TRPV4-related condition; TRPV4-related disorders.
Charcot-Marie-Tooth disease. Also called: Charcot-Marie-Tooth Neuropathy; Charcot-Marie-Tooth Hereditary Neuropathy. Identifiers: Orphanet 166, MedGen C0007959, MONDO:0015626.
Neuromuscular disease. Also called: Neuromuscular disorder; Neuromyopathy. Identifiers: Orphanet 68381, MedGen C0027868, MeSH D009468, MONDO:0019056.
Charcot-Marie-Tooth disease axonal type 2C (HMSN2C). Also called: Charcot-Marie-Tooth Disease Type 2, TRPV4-Related (CMT2C); CHARCOT-MARIE-TOOTH DISEASE, AXONAL, AUTOSOMAL DOMINANT, TYPE 2C; Charcot-Marie-Tooth Neuropathy Type 2C. Identifiers: Orphanet 99937, MedGen C1853710, MONDO:0011633, OMIM 606071.
Lower limb amyotrophy. Identifiers: MedGen C4024921, HP:0007210.
Clubfoot. Also called: CLUBFOOT, CONGENITAL, WITH OR WITHOUT DEFICIENCY OF LONG BONES AND/OR MIRROR-IMAGE POLYDACTYLY; congenital talipes equinovarus; Club foot; Talipes equinovarus; Clubfeet. Identifiers: Orphanet 199315, MedGen C0009081, MONDO:0007342, OMIM 119800, HP:0001762.
EMG abnormality. Identifiers: MedGen C0476403, HP:0003457.

Submissions (12):

Labcorp Genetics (formerly Invitae), Labcorp
Classification: Pathogenic for Charcot-Marie-Tooth disease axonal type 2C. Last evaluated: 2025-10-02. Review status: criteria provided, single submitter. Criteria: Invitae Variant Classification Sherloc (09022015). Collection method: clinical testing. Allele origin: germline.
Comment: This sequence change replaces arginine, which is basic and polar, with histidine, which is basic and polar, at codon 316 of the TRPV4 protein (p.Arg316His). This variant is not present in population databases (gnomAD no frequency). This missense change has been observed in individual(s) with Charcot-Marie-Tooth disease type 2C (CMT2C), scapuloperoneal spinal muscular atrophy (SPSMA), distal hereditary motor neuropathy (dHMN), and arthrogryposis multiplex congenita (AMC) (PMID: 21288981, 24319099, 24789864). In at least one individual the variant was observed to be de novo. It has also been observed to segregate with disease in related individuals. ClinVar contains an entry for this variant (Variation ID: 30473). Invitae Evidence Modeling of protein sequence and biophysical properties (such as structural, functional, and spatial information, amino acid conservation, physicochemical variation, residue mobility, and thermodynamic stability) has been performed for this missense variant. However, the output from this modeling did not meet the statistical confidence thresholds required to predict the impact of this variant on TRPV4 protein function. Experimental studies have shown that this missense change affects TRPV4 function (PMID: 21288981). This variant disrupts the p.Arg316 amino acid residue in TRPV4. Other variant(s) that disrupt this residue have been determined to be pathogenic (PMID: 20037587, 20037588, 21454511, 24789864). This suggests that this residue is clinically significant, and that variants that disrupt this residue are likely to be disease-causing. For these reasons, this variant has been classified as Pathogenic.

GeneDx
Classification: Pathogenic. Last evaluated: 2025-09-10. Review status: criteria provided, single submitter. Criteria: GeneDx Variant Classification Process June 2021. Collection method: clinical testing. Allele origin: germline. Affected: yes.
Comment: Observed in an individual with distal hereditary motor neuropathy and vocal paresis and was found to segregate with disease in a family with arthrogryposis multiplex congenita (PMID: 24789864, 24319099); Functional studies suggest that R316H results in a gain of function of TRPV4, causing increased intracellular calcium and decreased cell viability (PMID: 21288981); In silico analysis suggests that this missense variant does not alter protein structure/function; Not observed at significant frequency in large population cohorts (gnomAD); This variant is associated with the following publications: (PMID: 24319099, 25256292, 31701603, 24830047, 33820833, 38610891, 39021275, 24789864, 21288981)

CeGaT Center for Human Genetics Tuebingen
Classification: Pathogenic. Last evaluated: 2023-10-01. Review status: criteria provided, single submitter. Criteria: CeGaT Center For Human Genetics Tuebingen Variant Classification Criteria Version 2. Collection method: clinical testing. Allele origin: germline. Affected: yes. Observed: 1 variant allele.
Comment: TRPV4: PM2, PM5, PS2:Moderate, PS4:Moderate, PP1, PS3:Supporting

Genetics and Molecular Pathology, SA Pathology
Classification: Pathogenic for Charcot-Marie-Tooth disease axonal type 2C. Last evaluated: 2023-02-17. Review status: criteria provided, single submitter. Criteria: ACMG Guidelines, 2015. Collection method: clinical testing. Allele origin: germline. Inheritance: Autosomal dominant inheritance. Affected: yes.
Comment: The TRPV4 c.947G>A variant is classified as a PATHOGENIC variant (PS4, PS3, PM1, PP3) The variant is a single nucleotide change in exon 6/16 of the TRPV4 gene, which is predicted to change the amino acid arginine at position 316 in the protein to histidine. The variant has been previously identified in multiple unrelated individuals with CMT or neuropathies (PMID: 2128891, 24319099, 24789864, ClinVar 2023) (PS4). In vitro functional studies have shown that the variant affects TRPV4 function, causing increased intracellular calcium and decreased cell viability (PMID: 21288981) (PS3). Other pathogenic/ likely pathogenic variants at the same amino acid residue (or nearby) have been previously reported. This suggests that this residue (p.Arg316) is clinically significant, and the variant is located in an active site of the gene (PM1). The variant is in dbSNP (rs387906905) but is absent from population databases. The variant has been reported in ClinVar (Variation ID: #30473) and HGMD (Accession no.: CM111783) as pathogenic/ likely pathogenic/ disease causing. Computational predictions support a deleterious effect on the gene or gene product (PP3.)

Blueprint Genetics
Classification: Pathogenic for TRPV4-related disorders. Last evaluated: 2021-12-11. Review status: criteria provided, single submitter. Criteria: ACMG Guidelines, 2015. Collection method: clinical testing. Allele origin: germline. Affected: yes. Observed: 1 variant allele.

Breakthrough Genomics
Classification: Pathogenic for Charcot-Marie-Tooth disease axonal type 2C. Last evaluated: 2020-01-17. Review status: criteria provided, single submitter. Criteria: ACMG Guidelines, 2015. Collection method: clinical testing. Allele origin: germline. Affected: yes.
Comment: This variant has been previously reported in individuals affected with Charcot-Marie-Tooth disease type 2C (CMT2C), scapuloperoneal spinal muscular atrophy (SPSMA), distal hereditary motor neuropathy (dHMN), and arthrogryposis multiplex congenita (AMC) and reported to segregate with the disease in a family affected AMC [PMID: 21288981, 24789864, 24319099]. In a functional study it has been reported that the variant cause gain of function of TRPV4, resulting in increased intracellular calcium with decreased cell viability and cells transfected with the variant displayed reversible cell death by the TRPV channel antagonist, ruthenium red. [PMID: 21288981].

Molecular Diagnostics Lab, Nemours Children's Health, Delaware
Classification: Likely pathogenic. Last evaluated: 2016-04-05. Review status: criteria provided, single submitter. Criteria: ACMG Guidelines, 2015. Collection method: clinical testing. Allele origin: unknown. Affected: yes. Observed: 2 heterozygotes. Clinical features observed: leg weakness, abnormal reflex, abnormal gait, distal congenital non-progressive spinal muscular atrophy, hypotonia.

Centre for Mendelian Genomics, University Medical Centre Ljubljana
Classification: Pathogenic for Charcot-Marie-Tooth disease axonal type 2C. Last evaluated: 2016-01-01. Review status: criteria provided, single submitter. Criteria: ACMG Guidelines, 2015. Collection method: clinical testing. Allele origin: unknown. Affected: yes.
Comment: This variant was classified as: Pathogenic.

Genesis Genome Database
Classification: Uncertain significance for Charcot-Marie-Tooth disease. Last evaluated: 2019-08-14. Review status: no assertion criteria provided. Collection method: research. Allele origin: germline. Affected: yes. Not counted in ClinVar's aggregate classification.

Centre for Mendelian Genomics, University Medical Centre Ljubljana
Classification: Pathogenic for EMG abnormality; Lower limb amyotrophy; Clubfoot. Last evaluated: 2016-03-18. Review status: no assertion criteria provided. Collection method: clinical testing. Allele origin: unknown. Affected: yes. Not counted in ClinVar's aggregate classification.

OMIM
Classification: Pathogenic for HEREDITARY MOTOR AND SENSORY NEUROPATHY, TYPE IIC. Last evaluated: 2011-03-08. Review status: no assertion criteria provided. Collection method: literature only. Allele origin: germline. Not counted in ClinVar's aggregate classification.

GeneReviews
No classification provided. Condition: Neuromuscular disease. Review status: no classification provided. Collection method: literature only. Allele origin: germline. Affected: yes. Not counted in ClinVar's aggregate classification.

Literature cited by the submitters: PubMed 21288981 (cited by 4 submitters); PubMed 24319099 (cited by Labcorp Genetics (formerly Invitae), Labcorp and Genetics and Molecular Pathology, SA Pathology); PubMed 24789864 (cited by Labcorp Genetics (formerly Invitae), Labcorp and Genetics and Molecular Pathology, SA Pathology); PubMed 20037587 (cited by Labcorp Genetics (formerly Invitae), Labcorp); PubMed 20037588 (cited by Labcorp Genetics (formerly Invitae), Labcorp); PubMed 21454511 (cited by Labcorp Genetics (formerly Invitae), Labcorp); PubMed 2128891 (cited by Genetics and Molecular Pathology, SA Pathology); NCBI Bookshelf NBK201366 (cited by GeneReviews).